The following is an entry in ClinVar:

ClinVar aggregate classification (germline): Uncertain significance. Review status: criteria provided, multiple submitters, no conflicts (2 of 4 stars). 2 submissions from 2 submitters: Uncertain significance (2). Last evaluated 2024-11-11.

Conditions:
Van Maldergem syndrome 1 (VMLDS1). Also called: Van Maldergem syndrome 1 (VMLDS1). Identifiers: Orphanet 314679, MedGen C4551950, MONDO:0011070, OMIM 601390.

Allele frequency attached by ClinVar (database versions not stated): gnomAD exomes below 0.00001.

Submissions (2):

Labcorp Genetics (formerly Invitae), Labcorp
Classification: Uncertain significance. Last evaluated: 2024-11-11. Review status: criteria provided, single submitter. Criteria: Invitae Variant Classification Sherloc (09022015). Collection method: clinical testing. Allele origin: germline.
Comment: This sequence change replaces tryptophan, which is neutral and slightly polar, with arginine, which is basic and polar, at codon 1402 of the DCHS1 protein (p.Trp1402Arg). This variant is not present in population databases (gnomAD no frequency). This variant has not been reported in the literature in individuals affected with DCHS1-related conditions. ClinVar contains an entry for this variant (Variation ID: 3254745). Invitae Evidence Modeling of protein sequence and biophysical properties (such as structural, functional, and spatial information, amino acid conservation, physicochemical variation, residue mobility, and thermodynamic stability) indicates that this missense variant is not expected to disrupt DCHS1 protein function with a negative predictive value of 80%. In summary, the available evidence is currently insufficient to determine the role of this variant in disease. Therefore, it has been classified as a Variant of Uncertain Significance.

Victorian Clinical Genetics Services, Murdoch Childrens Research Institute
Classification: Uncertain significance for Van Maldergem syndrome 1. Last evaluated: 2023-07-16. Review status: criteria provided, single submitter. Criteria: ACMG Guidelines, 2015. Collection method: clinical testing. Allele origin: germline. Inheritance: Autosomal recessive inheritance. Affected: yes.
Comment: Based on the classification scheme VCGS_Germline_v1.3.4, this variant is classified as VUS-3B. Following criteria are met: 0102 - Loss of function is a known mechanism of disease in this gene and is associated with Van Maldergem syndrome 1 (MIM#601390). (I) 0106 - This gene is associated with autosomal recessive disease. The association with autosomal dominant mitral valve prolapse 2 (MIM#607829) is dubious and required further evidence. (I) 0200 - Variant is predicted to result in a missense amino acid change from tryptophan to arginine. (I) 0252 - This variant is homozygous. (I) 0301 - Variant is absent from gnomAD (both v2 and v3). (SP) 0502 - Missense variant with conflicting in silico predictions and uninformative conservation. (I) 0604 - Variant is not located in an established domain, motif, hotspot or informative constraint region. (I) 0705 - No comparable missense variants have previous evidence for pathogenicity. (I) 0807 - This variant has no previous evidence of pathogenicity. (I) 0905 - No published segregation evidence has been identified for this variant. (I) 1007 - No published functional evidence has been identified for this variant. (I) 1209 - This variant has been shown to be both maternally and paternally inherited (biallelic, by trio analysis). (I) Legend: (SP) - Supporting pathogenic, (I) - Information, (SB) - Supporting benign

NM_003737.4(DCHS1):c.4204T>C (p.Trp1402Arg)

Gene: DCHS1 (dachsous cadherin-related 1; minus strand). Cytogenetic location: 11p15.4.
Variant type: single nucleotide variant.
Coding change: c.4204T>C on transcript NM_003737.4 (MANE Select); coding-DNA position 4204, T replaced by C.
Protein change: p.Trp1402Arg; replaces tryptophan 1402 with arginine.
Molecular consequence: missense variant.
Genome position (GRCh38, 1-based): chr11:6,630,590, A>G on the plus strand (T>C on the coding strand, the complement: DCHS1 is on the minus strand). VCF-style: chr11-6630590-A-G. GRCh37 (hg19) VCF-style: chr11-6651821-A-G.
Other names: short protein forms W1402R.
Identifiers: ClinVar variation 3254745 (VCV003254745.3), dbSNP rs2493825272.